The following is an entry in ClinVar:

ClinVar aggregate classification (germline): Uncertain significance. Review status: criteria provided, multiple submitters, no conflicts (2 of 4 stars). 6 submissions from 6 submitters: Uncertain significance (5). 1 of the submissions does not count toward it. Last evaluated 2026-02-02.

Conditions:
Hereditary cancer-predisposing syndrome. Also called: Neoplastic Syndromes, Hereditary; Hereditary Cancer Syndrome; Tumor predisposition; Hereditary neoplastic syndrome. Identifiers: Orphanet 140162, MedGen C0027672, MeSH D009386, MONDO:0015356.
Ataxia-telangiectasia syndrome (AT). Also called: LOUIS-BAR SYNDROME; Cerebello-oculocutaneous telangiectasia; Immunodeficiency with ataxia telangiectasia; Ataxia-telangiectasia, complementation group D; AT, COMPLEMENTATION GROUP C; Ataxia-telangiectasia, complementation group E. Identifiers: Orphanet 100, MedGen C0004135, MONDO:0008840, OMIM 208900.
Familial cancer of breast. Also called: Hereditary breast cancer; BREAST CANCER, FAMILIAL; hereditary breast carcinoma. Identifiers: Orphanet 227535, MedGen C0346153, MONDO:0016419, OMIM 114480. Disease mechanism: loss of function.

Allele frequency attached by ClinVar (database versions not stated): gnomAD exomes below 0.00001.
gnomAD v4.1: 1 of 1,612,706 alleles (0.000062%); highest among the groups gnomAD compares: Non-Finnish European, 0.000085%; no homozygotes.

Submissions (6):

Labcorp Genetics (formerly Invitae), Labcorp
Classification: Uncertain significance for Ataxia-telangiectasia syndrome. Last evaluated: 2026-02-02. Review status: criteria provided, single submitter. Criteria: Invitae Variant Classification Sherloc (09022015). Collection method: clinical testing. Allele origin: germline.
Comment: This sequence change replaces alanine, which is neutral and non-polar, with aspartic acid, which is acidic and polar, at codon 2131 of the ATM protein (p.Ala2131Asp). This variant is not present in population databases (gnomAD no frequency). This variant has not been reported in the literature in individuals affected with ATM-related conditions. ClinVar contains an entry for this variant (Variation ID: 407549). Invitae Evidence Modeling of protein sequence and biophysical properties (such as structural, functional, and spatial information, amino acid conservation, physicochemical variation, residue mobility, and thermodynamic stability) has been performed for this missense variant. However, the output from this modeling did not meet the statistical confidence thresholds required to predict the impact of this variant on ATM protein function. In summary, the available evidence is currently insufficient to determine the role of this variant in disease. Therefore, it has been classified as a Variant of Uncertain Significance.

Ambry Genetics
Classification: Uncertain significance for Hereditary cancer-predisposing syndrome. Last evaluated: 2025-06-08. Review status: criteria provided, single submitter. Criteria: Ambry Variant Classification Scheme 2023. Collection method: clinical testing. Allele origin: germline.
Comment: The p.A2131D variant (also known as c.6392C>A), located in coding exon 43 of the ATM gene, results from a C to A substitution at nucleotide position 6392. The alanine at codon 2131 is replaced by aspartic acid, an amino acid with dissimilar properties. This amino acid position is well conserved in available vertebrate species. In addition, this alteration is predicted to be deleterious by in silico analysis. Since supporting evidence is limited at this time, the clinical significance of this alteration remains unclear.

Baylor Genetics
Classification: Uncertain significance for Familial cancer of breast. Last evaluated: 2023-08-05. Review status: criteria provided, single submitter. Criteria: ACMG Guidelines, 2015. Collection method: clinical testing. Allele origin: unknown.

Color Diagnostics, LLC DBA Color Health
Classification: Uncertain significance for Hereditary cancer-predisposing syndrome. Last evaluated: 2022-09-27. Review status: criteria provided, single submitter. Criteria: ACMG Guidelines, 2015. Collection method: clinical testing. Allele origin: germline.
Comment: This missense variant replaces alanine with aspartic acid at codon 2131 of the ATM protein. Computational prediction suggests that this variant may have deleterious impact on protein structure and function (internally defined REVEL score threshold >= 0.7, PMID: 27666373). To our knowledge, functional studies have not been reported for this variant. This variant has not been reported in individuals affected with hereditary cancer in the literature. This variant has not been identified in the general population by the Genome Aggregation Database (gnomAD). The available evidence is insufficient to determine the role of this variant in disease conclusively. Therefore, this variant is classified as a Variant of Uncertain Significance.

GeneDx
Classification: Uncertain significance. Last evaluated: 2016-03-16. Review status: criteria provided, single submitter. Criteria: GeneDx Variant Classification (06012015). Collection method: clinical testing. Allele origin: germline. Affected: yes.
Comment: This variant is denoted ATM c.6392C>A at the cDNA level, p.Ala2131Asp (A2131D) at the protein level, and results in the change of an Alanine to an Aspartic Acid (GCT>GAT). This variant has not, to our knowledge, been published in the literature as pathogenic or benign. ATM Ala2131Asp was not observed in approximately 6,500 individuals of European and African American ancestry in the NHLBI Exome Sequencing Project, suggesting it is not a common benign variant in these populations. Since Alanine and Aspartic Acid differ in polarity, charge, size or other properties, this is considered a non-conservative amino acid substitution. ATM Ala2131Asp occurs at a position that is conserved in mammals and is located in the within FAT domain (Tavtigian 2009, Stracker 2013). In silico analyses predict that this variant is probably damaging to protein structure and function. Based on currently available evidence, it is unclear whether ATM Ala2131Asp is pathogenic or benign. We consider it to be a variant of uncertain significance.

Natera, Inc.
Classification: Uncertain significance for Ataxia-telangiectasia. Last evaluated: 2025-05-01. Review status: no assertion criteria provided. Collection method: clinical testing. Allele origin: germline. Not counted in ClinVar's aggregate classification.

NM_000051.4(ATM):c.6392C>A (p.Ala2131Asp)

Genes: ATM (ATM serine/threonine kinase; plus strand), C11orf65 (chromosome 11 open reading frame 65; minus strand). Cytogenetic location: 11q22.3.
Variant type: single nucleotide variant.
Coding change: c.6392C>A on transcript NM_000051.4 (MANE Select); coding-DNA position 6392, C replaced by A.
Protein change: p.Ala2131Asp; replaces alanine 2131 with aspartic acid.
Molecular consequence: missense variant. On other transcripts: intron variant (2).
Genome position (GRCh38, 1-based): chr11:108,319,998, C>A. VCF-style: chr11-108319998-C-A. GRCh37 (hg19) VCF-style: chr11-108190725-C-A.
Other names: c.6392C>A, p.Ala2131Asp (NM_001351834.2); c.641-10927G>T (NM_001330368.2); c.*39-10927G>T (NM_001351110.2); short protein forms A2131D.
Identifiers: ClinVar variation 407549 (VCV000407549.22), dbSNP rs1060501594, ClinGen allele CA16613185.